The following is an entry in ClinVar:

NM_014704.4(CEP104):c.895C>T (p.Arg299Ter)

Gene: CEP104 (centrosomal protein 104; minus strand). Cytogenetic location: 1p36.32.
Variant type: single nucleotide variant.
Coding change: c.895C>T on transcript NM_014704.4 (MANE Select); coding-DNA position 895, C replaced by T.
Protein change: p.Arg299Ter; replaces arginine 299 with a stop codon.
Molecular consequence: nonsense.
Genome position (GRCh38, 1-based): chr1:3,837,516, G>A on the plus strand (C>T on the coding strand, the complement: CEP104 is on the minus strand). VCF-style: chr1-3837516-G-A. GRCh37 (hg19) VCF-style: chr1-3754080-G-A.
Other names: short protein forms R299*.
Identifiers: ClinVar variation 2634864 (VCV002634864.4), dbSNP rs778850368, ClinGen allele CA551770.

ClinVar aggregate classification (germline): Pathogenic/Likely pathogenic. Review status: criteria provided, multiple submitters, no conflicts (2 of 4 stars). 4 submissions from 4 submitters: Pathogenic (1); Likely pathogenic (3). Last evaluated 2026-01-28.

Conditions:
Intellectual developmental disorder, autosomal recessive 77 (MRT77). Identifiers: MedGen C5774193, MONDO:0031031, OMIM 619988.
Joubert syndrome 25 (JBTS25). Identifiers: Orphanet 475, MedGen C4084842, MONDO:0014770, OMIM 616781.
CEP104-related disorder. Also called: CEP104-related condition.
CEP104-related disorders.

Allele frequency attached by ClinVar (database versions not stated): ExAC 0.00001; gnomAD 0.00002; TOPMed 0.00003; gnomAD exomes 0.00004.
gnomAD v4.1: 67 of 1,613,790 alleles (0.0042%); highest among the groups gnomAD compares: Non-Finnish European, 0.0056%; no homozygotes.

Submissions (4):

Labcorp Genetics (formerly Invitae), Labcorp
Classification: Pathogenic for Joubert syndrome 25. Last evaluated: 2026-01-28. Review status: criteria provided, single submitter. Criteria: Invitae Variant Classification Sherloc (09022015). Collection method: clinical testing. Allele origin: germline.
Comment: This sequence change creates a premature translational stop signal (p.Arg299*) in the CEP104 gene. It is expected to result in an absent or disrupted protein product. Loss-of-function variants in CEP104 are known to be pathogenic (PMID: 26477546). This variant is present in population databases (rs778850368, gnomAD 0.003%). This variant has not been reported in the literature in individuals affected with CEP104-related conditions. ClinVar contains an entry for this variant (Variation ID: 2634864). For these reasons, this variant has been classified as Pathogenic.

Fulgent Genetics
Classification: Likely pathogenic for Joubert syndrome 25; Intellectual developmental disorder, autosomal recessive 77. Last evaluated: 2024-02-29. Review status: criteria provided, single submitter. Criteria: ACMG Guidelines, 2015. Collection method: clinical testing. Allele origin: germline.

PreventionGenetics, part of Exact Sciences
Classification: Likely pathogenic for CEP104-related condition. Last evaluated: 2022-12-30. Review status: criteria provided, single submitter. Criteria: ACMG Guidelines, 2015. Collection method: clinical testing. Allele origin: germline.
Comment: The CEP104 c.895C>T variant is predicted to result in premature protein termination (p.Arg299*). To our knowledge, this variant has not been reported in the literature. This variant is reported in 0.0026% of alleles in individuals of European (Non-Finnish) descent in gnomAD. Nonsense variants in CEP104 are expected to be pathogenic. This variant is interpreted as likely pathogenic.

Blueprint Genetics
Classification: Likely pathogenic for CEP104-related disorders. Last evaluated: 2021-09-08. Review status: criteria provided, single submitter. Criteria: ACMG Guidelines, 2015. Collection method: clinical testing. Allele origin: germline. Affected: yes. Observed: 5 variant alleles.

Literature cited by the submitters: PubMed 26477546 (cited by Labcorp Genetics (formerly Invitae), Labcorp).